The following is an entry in ClinVar:

NC_000005.9:g.(?_112111314)_(112116610_?)dup

Gene: APC (APC regulator of Wnt signaling pathway; plus strand). Cytogenetic location: 5q22.2.
Variant type: Duplication.
Identifiers: ClinVar variation 2422179 (VCV002422179.4).

ClinVar aggregate classification (germline): Likely pathogenic (1 of 4 stars; one submission).

Conditions:
Familial adenomatous polyposis 1 (FAP1). Also called: FAMILIAL ADENOMATOUS POLYPOSIS 1, ATTENUATED; POLYPOSIS, ADENOMATOUS INTESTINAL. Identifiers: MedGen C2713442, MONDO:0021056, OMIM 175100. Disease mechanism: loss of function.

Submission:

Labcorp Genetics (formerly Invitae), Labcorp
Classification: Likely pathogenic for Familial adenomatous polyposis 1. Last evaluated: 2023-09-15. Review status: criteria provided, single submitter. Criteria: Invitae Variant Classification Sherloc (09022015). Collection method: clinical testing. Allele origin: germline.
Comment: In summary, the currently available evidence indicates that the variant is pathogenic, but additional data are needed to prove that conclusively. Therefore, this variant has been classified as Likely Pathogenic. A similar copy number variant has been observed in individual(s) with familial adenomatous polyposis (Invitae). This variant results in a copy number gain of the genomic region encompassing exon(s) 5-6 of the APC gene. While the exact position of this variant cannot be determined from the data, sub-genic copy number gains are generally in tandem (PMID: 25640679). This variant is predicted to be out-of-frame, and may result in an absent or disrupted protein product. Loss-of-function variants in APC are known to be pathogenic (PMID: 17963004, 20685668).

Literature cited by the submitters: PubMed 25640679; PubMed 17963004; PubMed 20685668.